The following is an entry in ClinVar:

NM_004260.4(RECQL4):c.2616G>T (p.Arg872Ser)

Gene: RECQL4 (RecQ like helicase 4; minus strand). Cytogenetic location: 8q24.3.
Variant type: single nucleotide variant.
Coding change: c.2616G>T on transcript NM_004260.4 (MANE Select); coding-DNA position 2616, G replaced by T.
Protein change: p.Arg872Ser; replaces arginine 872 with serine.
Molecular consequence: missense variant. On other transcripts: non-coding transcript variant (3).
Genome position (GRCh38, 1-based): chr8:144,512,986, C>A on the plus strand (G>T on the coding strand, the complement: RECQL4 is on the minus strand). VCF-style: chr8-144512986-C-A. GRCh37 (hg19) VCF-style: chr8-145738369-C-A.
Other names: c.2322G>T, p.Arg774Ser (NM_001413017.1); c.2418G>T, p.Arg806Ser (NM_001413018.1); c.2616G>T, p.Arg872Ser (NM_001413019.1, NM_001413036.1); c.2520G>T, p.Arg840Ser (NM_001413020.1); c.1545G>T, p.Arg515Ser (NM_001413021.1, NM_001413022.1, NM_001413023.1 and 5 more transcripts); c.2487G>T, p.Arg829Ser (NM_001413025.1); c.1479G>T, p.Arg493Ser (NM_001413027.1, NM_001413030.1, NM_001413032.1 and 1 more transcripts); c.2265G>T, p.Arg755Ser (NM_001413029.1); and 6 more; short protein forms R774S, R806S, R383S, R505S, R515S, R828S, R829S, R493S.
Identifiers: ClinVar variation 3944293 (VCV003944293.1).
Genomic context (GRCh38, chr8:144,512,986, plus strand): 5'-TCCTGGGGCTGCTTGGTGGCTAAGCTGCTCAGCCTCTTGAGGGGGGTACTTGGGCACAGG[C>A]CTCTCCCCACCCACGGCCCCTTCCTGCTCCGAGGGCGGCCTGGTGCAGGTGCAGGTGCAG-3'
Protein context (NP_004251.4, residues 862-882): SEQEGAVGGE[Arg872Ser]PVPKYPPQEA

ClinVar aggregate classification (germline): Uncertain significance (1 of 4 stars; one submission).

Conditions:
Inborn genetic diseases. Identifiers: MedGen C0950123, MeSH D030342.

Submission:

Ambry Genetics
Classification: Uncertain significance for Inborn genetic diseases. Last evaluated: 2025-04-22. Review status: criteria provided, single submitter. Criteria: Ambry Variant Classification Scheme 2023. Collection method: clinical testing. Allele origin: germline.
Comment: The p.R872S variant (also known as c.2616G>T), located in coding exon 15 of the RECQL4 gene, results from a G to T substitution at nucleotide position 2616. The arginine at codon 872 is replaced by serine, an amino acid with dissimilar properties. This amino acid position is conserved. In addition, this alteration is predicted to be tolerated by in silico analysis. Based on the available evidence, the clinical significance of this variant remains unclear.